The following is an entry in ClinVar:

ClinVar aggregate classification (germline): Pathogenic (1 of 4 stars; one submission).

Conditions:
Cerebral cavernous malformation (CCM). Also called: Cerebral cavernous hemangioma (type); CAVERNOUS ANGIOMA, FAMILIAL; CAVERNOUS ANGIOMATOUS MALFORMATIONS; CEREBRAL CAPILLARY MALFORMATIONS; Cavernous Hemangioma of Brain; Cerebral cavernous malformations. Identifiers: Orphanet 221061, MedGen C2919945, MONDO:0000820, OMIM 116860, HP:0033522.

Submission:

Labcorp Genetics (formerly Invitae), Labcorp
Classification: Pathogenic for Cerebral cavernous malformation. Last evaluated: 2022-01-15. Review status: criteria provided, single submitter. Criteria: Invitae Variant Classification Sherloc (09022015). Collection method: clinical testing. Allele origin: germline.
Comment: This sequence change creates a premature translational stop signal (p.Lys606Asnfs*2) in the KRIT1 gene. It is expected to result in an absent or disrupted protein product. Loss-of-function variants in KRIT1 are known to be pathogenic (PMID: 10508515, 11222804, 12404106, 24689081). For these reasons, this variant has been classified as Pathogenic. This variant has not been reported in the literature in individuals affected with KRIT1-related conditions. This variant is not present in population databases (gnomAD no frequency).

Literature cited by the submitters: PubMed 10508515; PubMed 11222804; PubMed 12404106; PubMed 24689081.

NM_194454.3(KRIT1):c.1817_1818insTT (p.Lys606fs)

Gene: KRIT1 (KRIT1 ankyrin repeat containing; minus strand). Cytogenetic location: 7q21.2.
Variant type: Insertion.
Coding change: c.1817_1818insTT on transcript NM_194454.3 (MANE Select); coding-DNA positions 1817 to 1818, TT inserted.
Protein change: p.Lys606fs; shifts the reading frame from lysine 606.
Molecular consequence: frameshift variant.
Genome position: GRCh38 VCF-style: chr7-92213892-C-CAA. GRCh37 (hg19) VCF-style: chr7-91843206-C-CAA.
Other names: c.1817_1818insTT, p.Lys606fs (NM_001350683.1, NM_001350684.1, NM_001350685.1 and 26 more transcripts); c.1673_1674insTT, p.Lys558fs (NM_001350670.1, NM_001013406.2, NM_001350669.1); c.1103_1104insTT, p.Lys368fs (NM_001350671.1); short protein forms K368fs, K558fs, K606fs.
Identifiers: ClinVar variation 2084463 (VCV002084463.4), dbSNP rs2535715081, ClinGen allele CA2580077455.
Genomic context (GRCh38, chr7:92,213,892, plus strand): 5'-ACACTAACAAAGTTTCAACTAGCCTATAAAATGTCTTTTCATTTCTATTAAACAGCTTAC[C>CAA]TTGTATTCATGAAGTATGCGATTTGTCCAGTGAGGTGCCTTACTTTTCAGTTTGGTAACA-3'